The following is an entry in ClinVar:

NM_007317.3(KIF22):c.1343G>A (p.Arg448His)

Gene: KIF22 (kinesin family member 22; plus strand). Cytogenetic location: 16p11.2.
Variant type: single nucleotide variant.
Coding change: c.1343G>A on transcript NM_007317.3 (MANE Select); coding-DNA position 1343, G replaced by A.
Protein change: p.Arg448His; replaces arginine 448 with histidine.
Molecular consequence: missense variant.
Genome position (GRCh38, 1-based): chr16:29,802,831, G>A. VCF-style: chr16-29802831-G-A. GRCh37 (hg19) VCF-style: chr16-29814152-G-A.
Other names: c.1139G>A, p.Arg380His (NM_001256269.2, NM_001256270.1); short protein forms R448H, R380H.
Identifiers: ClinVar variation 1923513 (VCV001923513.5), dbSNP rs896342388, ClinGen allele CA280391168.
Genomic context (GRCh38, chr16:29,802,831, plus strand): 5'-CCCTACAGAAGCTAAGCAGCATGGACCCGGCCATGCTGGAGCGCCTCCTCAGCTTGGACC[G>A]TCTGCTTGCCTCCCAGGGGAGCCAGGGGGCCCCTCTGTTGAGTACCCCAAAGCGAGAGCG-3'
Protein context (NP_015556.1, residues 438-458): AMLERLLSLD[Arg448His]LLASQGSQGA

ClinVar aggregate classification (germline): Uncertain significance (1 of 4 stars; one submission).

Allele frequency attached by ClinVar (database versions not stated): gnomAD 0.00001; TOPMed 0.00002.
gnomAD v4.1: 41 of 1,610,916 alleles (0.0025%); highest among the groups gnomAD compares: Admixed American, 0.0034%; no homozygotes.

Submission:

Labcorp Genetics (formerly Invitae), Labcorp
Classification: Uncertain significance. Last evaluated: 2025-12-23. Review status: criteria provided, single submitter. Criteria: Invitae Variant Classification Sherloc (09022015). Collection method: clinical testing. Allele origin: germline.
Comment: This sequence change replaces arginine, which is basic and polar, with histidine, which is basic and polar, at codon 448 of the KIF22 protein (p.Arg448His). The frequency data for this variant in the population databases is considered unreliable, as metrics indicate poor data quality at this position in the gnomAD database. This variant has not been reported in the literature in individuals affected with KIF22-related conditions. ClinVar contains an entry for this variant (Variation ID: 1923513). Invitae Evidence Modeling of protein sequence and biophysical properties (such as structural, functional, and spatial information, amino acid conservation, physicochemical variation, residue mobility, and thermodynamic stability) indicates that this missense variant is not expected to disrupt KIF22 protein function with a negative predictive value of 80%. In summary, the available evidence is currently insufficient to determine the role of this variant in disease. Therefore, it has been classified as a Variant of Uncertain Significance.